The following is an entry in ClinVar:

NM_012479.4(YWHAG):c.511A>G (p.Ile171Val)

Gene: YWHAG (tyrosine 3-monooxygenase/tryptophan 5-monooxygenase activation protein gamma; minus strand). Cytogenetic location: 7q11.23.
Variant type: single nucleotide variant.
Coding change: c.511A>G on transcript NM_012479.4 (MANE Select); coding-DNA position 511, A replaced by G.
Protein change: p.Ile171Val; replaces isoleucine 171 with valine.
Molecular consequence: missense variant.
Genome position (GRCh38, 1-based): chr7:76,329,810, T>C on the plus strand (A>G on the coding strand, the complement: YWHAG is on the minus strand). VCF-style: chr7-76329810-T-C. GRCh37 (hg19) VCF-style: chr7-75959127-T-C.
Other names: short protein forms I171V.
Identifiers: ClinVar variation 3676323 (VCV003676323.2).

ClinVar aggregate classification (germline): Uncertain significance (1 of 4 stars; one submission).

gnomAD v4.1: 9 of 1,611,968 alleles (0.00056%); highest among the groups gnomAD compares: African/African-American, 0.0013%; no homozygotes.

Submission:

Labcorp Genetics (formerly Invitae), Labcorp
Classification: Uncertain significance. Last evaluated: 2024-03-03. Review status: criteria provided, single submitter. Criteria: Invitae Variant Classification Sherloc (09022015). Collection method: clinical testing. Allele origin: germline.
Comment: This sequence change replaces isoleucine, which is neutral and non-polar, with valine, which is neutral and non-polar, at codon 171 of the YWHAG protein (p.Ile171Val). This variant is present in population databases (no rsID available, gnomAD 0.007%). This variant has not been reported in the literature in individuals affected with YWHAG-related conditions. Advanced modeling of protein sequence and biophysical properties (such as structural, functional, and spatial information, amino acid conservation, physicochemical variation, residue mobility, and thermodynamic stability) performed at Invitae indicates that this missense variant is not expected to disrupt YWHAG protein function with a negative predictive value of 80%. In summary, the available evidence is currently insufficient to determine the role of this variant in disease. Therefore, it has been classified as a Variant of Uncertain Significance.